The following is an entry in ClinVar:

ClinVar aggregate classification (germline): Uncertain significance (1 of 4 stars; one submission).

gnomAD v4.1: 4 of 1,613,570 alleles (0.00025%); highest among the groups gnomAD compares: South Asian, 0.0033%; no homozygotes.

Submission:

Labcorp Genetics (formerly Invitae), Labcorp
Classification: Uncertain significance. Last evaluated: 2024-11-13. Review status: criteria provided, single submitter. Criteria: Invitae Variant Classification Sherloc (09022015). Collection method: clinical testing. Allele origin: germline.
Comment: This sequence change replaces methionine, which is neutral and non-polar, with valine, which is neutral and non-polar, at codon 970 of the SMARCA2 protein (p.Met970Val). This variant is present in population databases (rs375473288, gnomAD 0.003%). This variant has not been reported in the literature in individuals affected with SMARCA2-related conditions. Invitae Evidence Modeling of protein sequence and biophysical properties (such as structural, functional, and spatial information, amino acid conservation, physicochemical variation, residue mobility, and thermodynamic stability) indicates that this missense variant is expected to disrupt SMARCA2 protein function with a positive predictive value of 80%. In summary, the available evidence is currently insufficient to determine the role of this variant in disease. Therefore, it has been classified as a Variant of Uncertain Significance.

NM_003070.5(SMARCA2):c.2908A>G (p.Met970Val)

Gene: SMARCA2 (SWI/SNF related BAF chromatin remodeling complex subunit ATPase 2; plus strand). Cytogenetic location: 9p24.3.
Variant type: single nucleotide variant.
Coding change: c.2908A>G on transcript NM_003070.5 (MANE Select); coding-DNA position 2908, A replaced by G.
Protein change: p.Met970Val; replaces methionine 970 with valine.
Molecular consequence: missense variant.
Genome position (GRCh38, 1-based): chr9:2,096,681, A>G. VCF-style: chr9-2096681-A-G. GRCh37 (hg19) VCF-style: chr9-2096681-A-G.
Other names: c.2908A>G, p.Met970Val (NM_139045.4, NM_001289396.2); c.2734A>G, p.Met912Val (NM_001289397.2); short protein forms M970V, M912V.
Identifiers: ClinVar variation 3698945 (VCV003698945.2).